The following is an entry in ClinVar:

NM_001365951.3(KIF1B):c.2443C>T (p.His815Tyr)

Gene: KIF1B (kinesin family member 1B; plus strand). Cytogenetic location: 1p36.22.
Variant type: single nucleotide variant.
Coding change: c.2443C>T on transcript NM_001365951.3 (MANE Select); coding-DNA position 2443, C replaced by T.
Protein change: p.His815Tyr; replaces histidine 815 with tyrosine.
Molecular consequence: missense variant.
Genome position (GRCh38, 1-based): chr1:10,323,968, C>T. VCF-style: chr1-10323968-C-T. GRCh37 (hg19) VCF-style: chr1-10384026-C-T.
Other names: c.2443C>T, p.His815Tyr (NM_001365952.1); c.2305C>T, p.His769Tyr (NM_015074.3); short protein forms H815Y, H769Y.
Identifiers: ClinVar variation 4543688 (VCV004543688.1).
Genomic context (GRCh38, chr1:10,323,968, plus strand): 5'-ACTGACACACTGTACTCCCCTTTGCCTCCTGAATTACTTCCCACTGAGATGGAAAAAACT[C>T]ATGAGGACAGGCCTTTCCCTCGCACAGTGGTAGCAGTAGAAGTCCAGGATTTGAAGAATG-3'
Protein context (NP_001352880.1, residues 805-825): ELLPTEMEKT[His815Tyr]EDRPFPRTVV

ClinVar aggregate classification (germline): Uncertain significance (1 of 4 stars; one submission).

gnomAD v4.1: 1 of 1,614,114 alleles (0.000062%); highest among the groups gnomAD compares: Non-Finnish European, 0.000085%; no homozygotes.

Submission:

Ambry Genetics
Classification: Uncertain significance. Last evaluated: 2025-12-06. Review status: criteria provided, single submitter. Criteria: Ambry Variant Classification Scheme 2023. Collection method: clinical testing. Allele origin: germline.
Comment: The p.H769Y variant (also known as c.2305C>T), located in coding exon 22 of the KIF1B gene, results from a C to T substitution at nucleotide position 2305. The histidine at codon 769 is replaced by tyrosine, an amino acid with similar properties. This amino acid position is conserved. In addition, this alteration is predicted to be tolerated by in silico analysis. Based on the available evidence, the clinical significance of this variant remains unclear.